The following is an entry in ClinVar:

NM_006514.4(SCN10A):c.1406G>C (p.Gly469Ala)

Gene: SCN10A (sodium voltage-gated channel alpha subunit 10; minus strand). Cytogenetic location: 3p22.2.
Variant type: single nucleotide variant.
Coding change: c.1406G>C on transcript NM_006514.4 (MANE Select); coding-DNA position 1406, G replaced by C.
Protein change: p.Gly469Ala; replaces glycine 469 with alanine.
Molecular consequence: missense variant.
Genome position (GRCh38, 1-based): chr3:38,755,843, C>G on the plus strand (G>C on the coding strand, the complement: SCN10A is on the minus strand). VCF-style: chr3-38755843-C-G. GRCh37 (hg19) VCF-style: chr3-38797334-C-G.
Other names: c.1406G>C, p.Gly469Ala (NM_001293306.2, NM_001293307.2); short protein forms G469A.
Identifiers: ClinVar variation 4084554 (VCV004084554.9).

ClinVar aggregate classification (germline): Uncertain significance. Review status: criteria provided, multiple submitters, no conflicts (2 of 4 stars). 2 submissions from 2 submitters: Uncertain significance (2). Last evaluated 2026-01-31.

Conditions:
Brugada syndrome. Also called: Sudden unexpected nocturnal death syndrome; Sudden unexplained nocturnal death syndrome; Sudden Unexplained Death Syndrome; Sudden Unexplained Nocturnal Death Syndrome (SUNDS). Identifiers: Orphanet 130, MedGen C1142166, MONDO:0015263.

gnomAD v4.1: 2 of 1,614,138 alleles (0.00012%); highest among the groups gnomAD compares: Admixed American, 0.0017%; no homozygotes.

Submissions (2):

Labcorp Genetics (formerly Invitae), Labcorp
Classification: Uncertain significance for Brugada syndrome. Last evaluated: 2026-01-31. Review status: criteria provided, single submitter. Criteria: Invitae Variant Classification Sherloc (09022015). Collection method: clinical testing. Allele origin: germline.
Comment: This sequence change replaces glycine, which is neutral and non-polar, with alanine, which is neutral and non-polar, at codon 469 of the SCN10A protein (p.Gly469Ala). This variant is present in population databases (no rsID available, gnomAD 0.003%). This variant has not been reported in the literature in individuals affected with SCN10A-related conditions. ClinVar contains an entry for this variant (Variation ID: 4084554). Invitae Evidence Modeling of protein sequence and biophysical properties (such as structural, functional, and spatial information, amino acid conservation, physicochemical variation, residue mobility, and thermodynamic stability) indicates that this missense variant is not expected to disrupt SCN10A protein function with a negative predictive value of 80%. In summary, the available evidence is currently insufficient to determine the role of this variant in disease. Therefore, it has been classified as a Variant of Uncertain Significance.

CeGaT Center for Human Genetics Tuebingen
Classification: Uncertain significance. Last evaluated: 2025-06-01. Review status: criteria provided, single submitter. Criteria: CeGaT Center For Human Genetics Tuebingen Variant Classification Criteria Version 2. Collection method: clinical testing. Allele origin: germline. Affected: yes. Observed: 1 variant allele.